The following is an entry in ClinVar:

NM_198129.4(LAMA3):c.4641C>T (p.Gly1547=)

Gene: LAMA3 (laminin subunit alpha 3; plus strand). Cytogenetic location: 18q11.2.
Variant type: single nucleotide variant.
Coding change: c.4641C>T on transcript NM_198129.4 (MANE Select); coding-DNA position 4641, C replaced by T.
Protein change: p.Gly1547=; no amino-acid change (glycine 1547 retained).
Molecular consequence: synonymous variant.
Genome position (GRCh38, 1-based): chr18:23,864,841, C>T. VCF-style: chr18-23864841-C-T. GRCh37 (hg19) VCF-style: chr18-21444805-C-T.
Other names: c.4641C>T, p.Gly1547= (NM_001127717.4).
Identifiers: ClinVar variation 3351618 (VCV003351618.1).
Genomic context (GRCh38, chr18:23,864,841, plus strand): 5'-TTAGGTTTCTTCATATGGTGGTTACCTCACTTACCAAGCCAAGTCCTTTGGCTTGCCTGG[C>T]GACATGGTTCTTCTGGAAAAGAAGCCGGATGTACAGCTCACTGTAGGTATCAGAGCATGA-3'
Protein context (NP_937762.2, residues 1537-1557): TYQAKSFGLP[Gly1547=]DMVLLEKKPD

ClinVar aggregate classification (germline): Likely benign (0 of 4 stars; one submission).

Conditions:
LAMA3-related disorder. Also called: LAMA3-related condition; LAMA3-related disorders.

gnomAD v4.1: 48 of 1,613,580 alleles (0.003%); highest among the groups gnomAD compares: African/African-American, 0.0093%; no homozygotes.

Submission:

PreventionGenetics, part of Exact Sciences
Classification: Likely benign for LAMA3-related condition. Last evaluated: 2024-05-22. Review status: no assertion criteria provided. Collection method: clinical testing. Allele origin: germline.
Comment: This variant is classified as likely benign based on ACMG/AMP sequence variant interpretation guidelines (Richards et al. 2015 PMID: 25741868, with internal and published modifications).